The following is an entry in ClinVar:

NM_020806.5(GPHN):c.730-5A>G

Gene: GPHN (gephyrin; plus strand). Cytogenetic location: 14q23.3.
Variant type: single nucleotide variant.
Coding change: c.730-5A>G on transcript NM_020806.5 (MANE Select); 5 bases into the intron before coding-DNA position 730, A replaced by G.
Molecular consequence: intron variant.
Genome position (GRCh38, 1-based): chr14:66,924,189, A>G. VCF-style: chr14-66924189-A-G. GRCh37 (hg19) VCF-style: chr14-67390906-A-G.
Other names: c.768+1251A>G (NM_001377514.1, NM_001377519.1); c.729+1251A>G (NM_001377515.1, NM_001377516.1, NM_001377518.1 and 2 more transcripts).
Identifiers: ClinVar variation 2877986 (VCV002877986.3), dbSNP rs1212247375, ClinGen allele CA614908195.
Genomic context (GRCh38, chr14:66,924,189, plus strand): 5'-TTTTGCTTGTATAGTTTCATGTTTTCCTGTCACTATATTCATAGTTGTTATGTGTTGTGC[A>G]TTAGAAGCATCCATTCTACACCAGTCCTGCTGTTGTCATGGCACACGGTGAACAGCCCAT-3'

ClinVar aggregate classification (germline): Uncertain significance (1 of 4 stars; one submission).

Conditions:
Sulfite oxidase deficiency due to molybdenum cofactor deficiency type C. Also called: Molybdenum cofactor deficiency C; Molybdenum cofactor deficiency, complementation group C. Identifiers: Orphanet 308400, Orphanet 833, MedGen C1854990, MONDO:0014212, OMIM 615501.

Allele frequency attached by ClinVar (database versions not stated): gnomAD 0.00001; TOPMed 0.00001; gnomAD exomes 0.00002.
gnomAD v4.1: 13 of 1,531,030 alleles (0.00085%); highest among the groups gnomAD compares: Non-Finnish European, 0.0012%; no homozygotes.

Submission:

Labcorp Genetics (formerly Invitae), Labcorp
Classification: Uncertain significance for Sulfite oxidase deficiency due to molybdenum cofactor deficiency type C. Last evaluated: 2023-05-27. Review status: criteria provided, single submitter. Criteria: Invitae Variant Classification Sherloc (09022015). Collection method: clinical testing. Allele origin: germline.
Comment: This sequence change falls in intron 7 of the GPHN gene. It does not directly change the encoded amino acid sequence of the GPHN protein. This variant is present in population databases (no rsID available, gnomAD 0.007%). This variant has not been reported in the literature in individuals affected with GPHN-related conditions. Algorithms developed to predict the effect of sequence changes on RNA splicing suggest that this variant may create or strengthen a splice site. In summary, the available evidence is currently insufficient to determine the role of this variant in disease. Therefore, it has been classified as a Variant of Uncertain Significance.